The following is an entry in ClinVar:

ClinVar aggregate classification (germline): Benign/Likely benign. Review status: criteria provided, multiple submitters, no conflicts (2 of 4 stars). 5 submissions from 5 submitters: Benign (4); Likely benign (1). Last evaluated 2025-12-26.

Conditions:
Familial idiopathic hypercalciuria (HCA2). Also called: Hypercalciuria, absorptive, 2; Hypercalciuria, absorptive, susceptibility to. Identifiers: MedGen C0342639, MONDO:0007748, OMIM 143870.
ADCY10-related disorder. Also called: ADCY10-related condition.

Allele frequency attached by ClinVar (database versions not stated): gnomAD exomes 0.00073 and 0.00193; ExAC 0.00231; gnomAD 0.00738 and 0.00772; TOPMed 0.00799; ESP Exome Variant Server 0.00815; 1000 Genomes Project 0.00839; 1000 Genomes Project 30x 0.01015.
gnomAD v4.1: 2,240 of 1,614,152 alleles (0.14%); highest among the groups gnomAD compares: African/African-American, 2.6%; 28 homozygotes.

Submissions (5):

Labcorp Genetics (formerly Invitae), Labcorp
Classification: Benign. Last evaluated: 2025-12-26. Review status: criteria provided, single submitter. Criteria: Invitae Variant Classification Sherloc (09022015). Collection method: clinical testing. Allele origin: germline.

PreventionGenetics, part of Exact Sciences
Classification: Benign for ADCY10-related condition. Last evaluated: 2025-07-03. Review status: criteria provided, single submitter. Criteria: ACMG Guidelines, 2015. Collection method: clinical testing. Allele origin: germline.
Comment: This variant is classified as benign based on ACMG/AMP sequence variant interpretation guidelines (Richards et al. 2015 PMID: 25741868, with internal and published modifications).

Mayo Clinic Laboratories, Mayo Clinic
Classification: Benign. Last evaluated: 2024-06-14. Review status: criteria provided, single submitter. Criteria: ACMG Guidelines, 2015. Collection method: clinical testing. Allele origin: germline. Observed: 2 variant alleles.
Comment: BA1, BS2, BP4, BP7

Fulgent Genetics
Classification: Likely benign for Familial idiopathic hypercalciuria. Last evaluated: 2021-07-23. Review status: criteria provided, single submitter. Criteria: ACMG Guidelines, 2015. Collection method: clinical testing. Allele origin: unknown.

Breakthrough Genomics
Classification: Benign. Review status: criteria provided, single submitter. Criteria: ACMG Guidelines, 2015. Collection method: not provided. Allele origin: germline. Inheritance: Autosomal dominant inheritance. Affected: yes.

NM_018417.6(ADCY10):c.4377C>T (p.Tyr1459=)

Gene: ADCY10 (adenylate cyclase 10; minus strand). Cytogenetic location: 1q24.2.
Variant type: single nucleotide variant.
Coding change: c.4377C>T on transcript NM_018417.6 (MANE Select); coding-DNA position 4377, C replaced by T.
Protein change: p.Tyr1459=; no amino-acid change (tyrosine 1459 retained).
Molecular consequence: synonymous variant.
Genome position (GRCh38, 1-based): chr1:167,818,177, G>A on the plus strand (C>T on the coding strand, the complement: ADCY10 is on the minus strand). VCF-style: chr1-167818177-G-A. GRCh37 (hg19) VCF-style: chr1-167787415-G-A.
Other names: p.Tyr1459=; c.3918C>T, p.Tyr1306= (NM_001167749.3); c.4101C>T, p.Tyr1367= (NM_001297772.2).
Identifiers: ClinVar variation 791225 (VCV000791225.13), dbSNP rs61745244, ClinGen allele CA1227043.